The following is an entry in ClinVar:

ClinVar aggregate classification (germline): Uncertain significance (1 of 4 stars; one submission).

Conditions:
Lethal congenital glycogen storage disease of heart. Also called: GLYCOGEN STORAGE DISEASE OF HEART; PHOSPHORYLASE KINASE DEFICIENCY OF HEART. Identifiers: Orphanet 439854, MedGen C1849813, MONDO:0009867, OMIM 261740.

gnomAD v4.1: 1 of 1,607,204 alleles (0.000062%); highest among the groups gnomAD compares: Non-Finnish European, 0.000085%; no homozygotes.

Submission:

Labcorp Genetics (formerly Invitae), Labcorp
Classification: Uncertain significance for Lethal congenital glycogen storage disease of heart. Last evaluated: 2025-07-03. Review status: criteria provided, single submitter. Criteria: Invitae Variant Classification Sherloc (09022015). Collection method: clinical testing. Allele origin: germline.
Comment: This sequence change replaces leucine, which is neutral and non-polar, with arginine, which is basic and polar, at codon 33 of the PRKAG2 protein (p.Leu33Arg). This variant is not present in population databases (gnomAD no frequency). This variant has not been reported in the literature in individuals affected with PRKAG2-related conditions. Invitae Evidence Modeling of protein sequence and biophysical properties (such as structural, functional, and spatial information, amino acid conservation, physicochemical variation, residue mobility, and thermodynamic stability) indicates that this missense variant is not expected to disrupt PRKAG2 protein function with a negative predictive value of 95%. In summary, the available evidence is currently insufficient to determine the role of this variant in disease. Therefore, it has been classified as a Variant of Uncertain Significance.

NM_016203.4(PRKAG2):c.98T>G (p.Leu33Arg)

Gene: PRKAG2 (protein kinase AMP-activated non-catalytic subunit gamma 2; minus strand). Cytogenetic location: 7q36.1.
Variant type: single nucleotide variant.
Coding change: c.98T>G on transcript NM_016203.4 (MANE Select); coding-DNA position 98, T replaced by G.
Protein change: p.Leu33Arg; replaces leucine 33 with arginine.
Molecular consequence: missense variant.
Genome position (GRCh38, 1-based): chr7:151,876,523, A>C on the plus strand (T>G on the coding strand, the complement: PRKAG2 is on the minus strand). VCF-style: chr7-151876523-A-C. GRCh37 (hg19) VCF-style: chr7-151573608-A-C.
Other names: c.98T>G, p.Leu33Arg (NM_001407021.1, NM_001407022.1, NM_001407023.1 and 2 more transcripts); short protein forms L33R.
Identifiers: ClinVar variation 4764440 (VCV004764440.1).